The following is an entry in ClinVar:

ClinVar aggregate classification (germline): Uncertain significance (1 of 4 stars; one submission).

Conditions:
Angelman syndrome-like. Identifiers: MedGen CN128785.
Developmental and epileptic encephalopathy, 2 (DEE2). Also called: INFANTILE SPASM SYNDROME, X-LINKED 2; CDKL5 deficiency disorder. Identifiers: Orphanet 1934, Orphanet 3451, Orphanet 505652, MedGen C4750718, MONDO:0010396, OMIM 300672.

Allele frequency attached by ClinVar (database versions not stated): gnomAD exomes below 0.00001.
gnomAD v4.1: 1 of 1,211,552 alleles (0.000083%); highest among the groups gnomAD compares: East Asian, 0.003%; no homozygotes.

Submission:

Labcorp Genetics (formerly Invitae), Labcorp
Classification: Uncertain significance for Developmental and epileptic encephalopathy, 2; Angelman syndrome-like. Last evaluated: 2021-02-26. Review status: criteria provided, single submitter. Criteria: Invitae Variant Classification Sherloc (09022015). Collection method: clinical testing. Allele origin: germline.
Comment: This variant has not been reported in the literature in individuals with CDKL5-related conditions. This variant is not present in population databases (ExAC no frequency). This sequence change replaces histidine with arginine at codon 589 of the CDKL5 protein (p.His589Arg). The histidine residue is highly conserved and there is a small physicochemical difference between histidine and arginine. Advanced modeling of protein sequence and biophysical properties (such as structural, functional, and spatial information, amino acid conservation, physicochemical variation, residue mobility, and thermodynamic stability) performed at Invitae indicates that this missense variant is not expected to disrupt CDKL5 protein function. In summary, the available evidence is currently insufficient to determine the role of this variant in disease. Therefore, it has been classified as a Variant of Uncertain Significance.

NM_001323289.2(CDKL5):c.1766A>G (p.His589Arg)

Gene: CDKL5 (cyclin dependent kinase like 5; plus strand). Cytogenetic location: Xp22.13.
Variant type: single nucleotide variant.
Coding change: c.1766A>G on transcript NM_001323289.2 (MANE Select); coding-DNA position 1766, A replaced by G.
Protein change: p.His589Arg; replaces histidine 589 with arginine.
Molecular consequence: missense variant.
Genome position (GRCh38, 1-based): chrX:18,604,690, A>G. VCF-style: chrX-18604690-A-G. GRCh37 (hg19) VCF-style: chrX-18622810-A-G.
Other names: c.1766A>G, p.His589Arg (NM_001037343.2, NM_003159.3); short protein forms H589R.
Identifiers: ClinVar variation 1521677 (VCV001521677.8), dbSNP rs2147161126, ClinGen allele CA412362624.
Genomic context (GRCh38, chrX:18,604,690, plus strand): 5'-AGGAATTGAAGCTGCCGGAGCACATGGACAGTAGCCATTCCCATTCACTGTCTGCACCTC[A>G]CGAATCTTTTTCTTATGGACTGGGCTACACCAGCCCCTTTTCTTCCCAGCAACGTCCTCA-3'
Protein context (NP_001310218.1, residues 579-599): SSHSHSLSAP[His589Arg]ESFSYGLGYT